The following is an entry in ClinVar:

NM_015046.7(SETX):c.7100+7C>T

Gene: SETX (senataxin; minus strand). Cytogenetic location: 9q34.13.
Variant type: single nucleotide variant.
Coding change: c.7100+7C>T on transcript NM_015046.7 (MANE Select); 7 bases into the intron after coding-DNA position 7100, C replaced by T.
Molecular consequence: intron variant.
Genome position (GRCh38, 1-based): chr9:132,275,249, G>A on the plus strand (C>T on the coding strand, the complement: SETX is on the minus strand). VCF-style: chr9-132275249-G-A. GRCh37 (hg19) VCF-style: chr9-135150636-G-A.
Other names: c.7100+7C>T (NM_001351528.2, NM_001351527.2, NM_015046.5 and 1 more transcripts).
Identifiers: ClinVar variation 2080292 (VCV002080292.6), dbSNP rs375256800, ClinGen allele CA5296518.

ClinVar aggregate classification (germline): Conflicting classifications of pathogenicity. Review status: criteria provided, conflicting classifications (1 of 4 stars). 3 submissions from 3 submitters: Uncertain significance (1); Likely benign (2). Last evaluated 2025-03-31.

Conditions:
Spinocerebellar ataxia, autosomal recessive, with axonal neuropathy 2 (SCAN2). Also called: ATAXIA-OCULOMOTOR APRAXIA 2; Ataxia-ocular apraxia-2; Ataxia with Oculomotor Apraxia Type 2; Ataxia with Oculomotor Apraxia. Identifiers: Orphanet 64753, MedGen C1853761, MONDO:0018996, OMIM 606002.
Amyotrophic lateral sclerosis type 4 (ALS4). Also called: AMYOTROPHIC LATERAL SCLEROSIS 4, JUVENILE; NEURONOPATHY, DISTAL HEREDITARY MOTOR, WITH PYRAMIDAL FEATURES. Identifiers: Orphanet 357043, MedGen C1865409, MONDO:0011223, OMIM 602433.
SETX-related disorder. Also called: SETX-related condition; SETX-related disorders. Identifiers: MedGen CN239403.

Allele frequency attached by ClinVar (database versions not stated): gnomAD 0.00001; gnomAD exomes 0.00001; ExAC 0.00004; ESP Exome Variant Server 0.00008; 1000 Genomes Project 30x 0.00016; 1000 Genomes Project 0.00020.
gnomAD v4.1: 26 of 1,613,180 alleles (0.0016%); highest among the groups gnomAD compares: Middle Eastern, 0.016%; no homozygotes.

Submissions (3):

Labcorp Genetics (formerly Invitae), Labcorp
Classification: Likely benign for Amyotrophic lateral sclerosis type 4; Spinocerebellar ataxia, autosomal recessive, with axonal neuropathy 2. Last evaluated: 2025-03-31. Review status: criteria provided, single submitter. Criteria: Invitae Variant Classification Sherloc (09022015). Collection method: clinical testing. Allele origin: germline.

PreventionGenetics, part of Exact Sciences
Classification: Likely benign for SETX-related condition. Last evaluated: 2025-03-07. Review status: criteria provided, single submitter. Criteria: ACMG Guidelines, 2015. Collection method: clinical testing. Allele origin: germline.
Comment: This variant is classified as likely benign based on ACMG/AMP sequence variant interpretation guidelines (Richards et al. 2015 PMID: 25741868, with internal and published modifications).

Mayo Clinic Laboratories, Mayo Clinic
Classification: Uncertain significance. Last evaluated: 2022-03-15. Review status: criteria provided, single submitter. Criteria: ACMG Guidelines, 2015. Collection method: clinical testing. Allele origin: germline. Observed: 1 variant allele.